The following is an entry in ClinVar:

NM_018076.5(ODAD2):c.2942G>T (p.Arg981Leu)

Gene: ODAD2 (outer dynein arm docking complex subunit 2; minus strand). Cytogenetic location: 10p12.1.
Variant type: single nucleotide variant.
Coding change: c.2942G>T on transcript NM_018076.5 (MANE Select); coding-DNA position 2942, G replaced by T.
Protein change: p.Arg981Leu; replaces arginine 981 with leucine.
Molecular consequence: missense variant.
Genome position (GRCh38, 1-based): chr10:27,860,704, C>A on the plus strand (G>T on the coding strand, the complement: ODAD2 is on the minus strand). VCF-style: chr10-27860704-C-A. GRCh37 (hg19) VCF-style: chr10-28149633-C-A.
Other names: c.2942G>T, p.Arg981Leu (NM_001290020.2); c.1517G>T, p.Arg506Leu (NM_001290021.2); c.2018G>T, p.Arg673Leu (NM_001312689.2); short protein forms R673L, R506L, R981L.
Identifiers: ClinVar variation 836499 (VCV000836499.6), dbSNP rs139741736, ClinGen allele CA5453060.

ClinVar aggregate classification (germline): Uncertain significance. Review status: criteria provided, multiple submitters, no conflicts (2 of 4 stars). 3 submissions from 3 submitters: Uncertain significance (3). Last evaluated 2025-04-15.

Conditions:
Primary ciliary dyskinesia 23 (CILD23). Also called: CILIARY DYSKINESIA, PRIMARY, 23, WITH OR WITHOUT SITUS INVERSUS. Identifiers: Orphanet 244, MedGen C3809548, MONDO:0014193, OMIM 615451.
Primary ciliary dyskinesia. Also called: Ciliary dyskinesia. Identifiers: Orphanet 244, MedGen C0008780, MONDO:0016575, HP:0012265.

Allele frequency attached by ClinVar (database versions not stated): TOPMed 0.00007; ESP Exome Variant Server 0.00031.

Submissions (3):

Ambry Genetics
Classification: Uncertain significance for Primary ciliary dyskinesia. Last evaluated: 2025-04-15. Review status: criteria provided, single submitter. Criteria: Ambry Variant Classification Scheme 2023. Collection method: clinical testing. Allele origin: germline.

Blueprint Genetics
Classification: Uncertain significance. Last evaluated: 2022-05-31. Review status: criteria provided, single submitter. Criteria: ACMG Guidelines, 2015. Collection method: clinical testing. Allele origin: germline.

Labcorp Genetics (formerly Invitae), Labcorp
Classification: Uncertain significance for Primary ciliary dyskinesia 23. Last evaluated: 2021-08-31. Review status: criteria provided, single submitter. Criteria: Invitae Variant Classification Sherloc (09022015). Collection method: clinical testing. Allele origin: germline.
Comment: This sequence change replaces arginine with leucine at codon 981 of the ARMC4 protein (p.Arg981Leu). The arginine residue is highly conserved and there is a moderate physicochemical difference between arginine and leucine. This variant is present in population databases (rs139741736, ExAC 0.04%). This variant has not been reported in the literature in individuals affected with ARMC4-related conditions. Algorithms developed to predict the effect of missense changes on protein structure and function are either unavailable or do not agree on the potential impact of this missense change (SIFT: "Deleterious"; PolyPhen-2: "Possibly Damaging"; Align-GVGD: "Class C0"). In summary, the available evidence is currently insufficient to determine the role of this variant in disease. Therefore, it has been classified as a Variant of Uncertain Significance.